The following is an entry in ClinVar:

NM_000440.3(PDE6A):c.474G>A (p.Glu158=)

Gene: PDE6A (phosphodiesterase 6A; minus strand). Cytogenetic location: 5q32.
Variant type: single nucleotide variant.
Coding change: c.474G>A on transcript NM_000440.3 (MANE Select); coding-DNA position 474, G replaced by A.
Protein change: p.Glu158=; no amino-acid change (glutamic acid 158 retained).
Molecular consequence: synonymous variant.
Genome position (GRCh38, 1-based): chr5:149,944,200, C>T on the plus strand (G>A on the coding strand, the complement: PDE6A is on the minus strand). VCF-style: chr5-149944200-C-T. GRCh37 (hg19) VCF-style: chr5-149323763-C-T.
Other names: c.474G>A, p.Glu158= (NM_001410788.1).
Identifiers: ClinVar variation 4848720 (VCV004848720.1).

ClinVar aggregate classification (germline): Uncertain significance (1 of 4 stars; one submission).

Submission:

Women's Health and Genetics/Laboratory Corporation of America, LabCorp
Classification: Uncertain significance. Last evaluated: 2026-04-09. Review status: criteria provided, single submitter. Criteria: LabCorp Variant Classification Summary - May 2015. Collection method: clinical testing. Allele origin: germline.
Comment: Variant summary: PDE6A c.474G>A (p.Glu158Glu) alters a conserved nucleotide located close to a canonical splice site and therefore could affect mRNA splicing, leading to a significantly altered protein sequence. Several computational tools predict a significant impact on normal splicing: Two predict the variant abolishes a 5' splicing donor site. One predicts the variant weakens a 5' donor site. Two predict the variant no significant impact on splicing. However, these predictions have yet to be confirmed by functional studies. The variant was absent in 250282 control chromosomes. The available data on variant occurrences in the general population are insufficient to allow any conclusion about variant significance. To our knowledge, no occurrence of c.474G>A in individuals affected with PDE6A-related conditions and no experimental evidence demonstrating its impact on protein function have been reported. No submitters have cited clinical-significance assessments for this variant to ClinVar. Based on the evidence outlined above, the variant was classified as uncertain significance.